The following is an entry in ClinVar:

NM_001130438.3(SPTAN1):c.2221G>T (p.Ala741Ser)

Gene: SPTAN1 (spectrin alpha, non-erythrocytic 1; plus strand). Cytogenetic location: 9q34.11.
Variant type: single nucleotide variant.
Coding change: c.2221G>T on transcript NM_001130438.3 (MANE Select); coding-DNA position 2221, G replaced by T.
Protein change: p.Ala741Ser; replaces alanine 741 with serine.
Molecular consequence: missense variant.
Genome position (GRCh38, 1-based): chr9:128,584,309, G>T. VCF-style: chr9-128584309-G-T. GRCh37 (hg19) VCF-style: chr9-131346588-G-T.
Other names: p.A741S:GCC>TCC; c.2221G>T, p.Ala741Ser (NM_001195532.2, NM_001363759.2, NM_001363765.2 and 1 more transcripts); short protein forms A741S.
Identifiers: ClinVar variation 207325 (VCV000207325.14), dbSNP rs200241514, ClinGen allele CA318682.

ClinVar aggregate classification (germline): Uncertain significance. Review status: criteria provided, multiple submitters, no conflicts (2 of 4 stars). 3 submissions from 3 submitters: Uncertain significance (3). Last evaluated 2025-12-15.

Conditions:
Early-infantile DEE. Also called: Ohtahara syndrome; Early infantile epileptic encephalopathy; Early infantile epileptic encephalopathy with suppression bursts. Identifiers: Orphanet 1934, MedGen C0393706, MONDO:0800491.
Developmental and epileptic encephalopathy, 5 (DEE5). Identifiers: Orphanet 3451, MedGen C3150731, MONDO:0013277, OMIM 613477.

Allele frequency attached by ClinVar (database versions not stated): ExAC 0.00001; gnomAD exomes 0.00002; gnomAD 0.00005 and 0.00006; TOPMed 0.00013; 1000 Genomes Project 30x 0.00016; 1000 Genomes Project 0.00020.
gnomAD v4.1: 16 of 1,614,114 alleles (0.00099%); highest among the groups gnomAD compares: Admixed American, 0.018%; 1 homozygote.

Submissions (3):

Labcorp Genetics (formerly Invitae), Labcorp
Classification: Uncertain significance for Early-infantile DEE. Last evaluated: 2025-12-15. Review status: criteria provided, single submitter. Criteria: Invitae Variant Classification Sherloc (09022015). Collection method: clinical testing. Allele origin: germline.
Comment: This sequence change replaces alanine, which is neutral and non-polar, with serine, which is neutral and polar, at codon 741 of the SPTAN1 protein (p.Ala741Ser). This variant is present in population databases (rs200241514, gnomAD 0.007%). This missense change has been observed in individual(s) with clinical features of SPTAN1-related conditions (internal data). ClinVar contains an entry for this variant (Variation ID: 207325). Invitae Evidence Modeling of protein sequence and biophysical properties (such as structural, functional, and spatial information, amino acid conservation, physicochemical variation, residue mobility, and thermodynamic stability) has been performed for this missense variant. However, the output from this modeling did not meet the statistical confidence thresholds required to predict the impact of this variant on SPTAN1 protein function. In summary, the available evidence is currently insufficient to determine the role of this variant in disease. Therefore, it has been classified as a Variant of Uncertain Significance.

Genome-Nilou Lab
Classification: Uncertain significance for Developmental and epileptic encephalopathy, 5. Last evaluated: 2021-07-15. Review status: criteria provided, single submitter. Criteria: ACMG Guidelines, 2015. Collection method: clinical testing. Allele origin: germline. Affected: no.

GeneDx
Classification: Uncertain significance. Last evaluated: 2017-01-26. Review status: criteria provided, single submitter. Criteria: GeneDx Variant Classification (06012015). Collection method: clinical testing. Allele origin: germline. Affected: yes.
Comment: p.Ala741Ser (GCC>TCC): c.2221 G>T in exon 17 of the SPTAN1 gene (NM_001130438.2) The A741S variant has not been published as a mutation, nor has it been reported as a benign polymorphism to our knowledge. It was not observed in approximately 6,500 individuals of European and African American ancestry in the NHLBI Exome Sequencing Project, but the 1000 Genomes Project reports A741S was observed in 1/110 (0.9%) alleles from individuals of Puerto Rican background, indicating it may be a rare (benign) variant in this population. The A741S variant is a non-conservative amino acid substitution, which is likely to impact secondary protein structure as these residues differ in polarity, charge, size and/or other properties. This substitution occurs at a position that is conserved across species. In silico analysis predicts this variant is probably damaging to the protein structure/function. However, previously reported pathogenic mutations in SPTAN1 include in-frame deletions or duplications located within the last four spectrin repeats of the protein, which are essential for dimerization (Saitsu et al., 2010), and the A741 residue is outside this region. Therefore, based on the currently available information, it is unclear whether this variant is a pathogenic mutation or a rare benign variant. The variant is found in EPILEPSY panel(s).